The following is an entry in ClinVar:

NM_001042413.2(GLIS3):c.1034C>T (p.Pro345Leu)

Gene: GLIS3 (GLIS family zinc finger 3; minus strand). Cytogenetic location: 9p24.2.
Variant type: single nucleotide variant.
Coding change: c.1034C>T on transcript NM_001042413.2 (MANE Select); coding-DNA position 1034, C replaced by T.
Protein change: p.Pro345Leu; replaces proline 345 with leucine.
Molecular consequence: missense variant.
Genome position (GRCh38, 1-based): chr9:4,118,444, G>A on the plus strand (C>T on the coding strand, the complement: GLIS3 is on the minus strand). VCF-style: chr9-4118444-G-A. GRCh37 (hg19) VCF-style: chr9-4118444-G-A.
Other names: c.569C>T, p.Pro190Leu (NM_152629.4); short protein forms P345L, P190L.
Identifiers: ClinVar variation 2177254 (VCV002177254.4), dbSNP rs1166009392, ClinGen allele CA372807444.

ClinVar aggregate classification (germline): Uncertain significance (1 of 4 stars; one submission).

Allele frequency attached by ClinVar (database versions not stated): gnomAD 0.00002; gnomAD exomes 0.00002; TOPMed 0.00003; 1000 Genomes Project 30x 0.00016.
gnomAD v4.1: 24 of 1,612,830 alleles (0.0015%); highest among the groups gnomAD compares: African/African-American, 0.004%; no homozygotes.

Submission:

Labcorp Genetics (formerly Invitae), Labcorp
Classification: Uncertain significance. Last evaluated: 2022-06-22. Review status: criteria provided, single submitter. Criteria: Invitae Variant Classification Sherloc (09022015). Collection method: clinical testing. Allele origin: germline.
Comment: This sequence change replaces proline, which is neutral and non-polar, with leucine, which is neutral and non-polar, at codon 190 of the GLIS3 protein (p.Pro190Leu). This variant is not present in population databases (gnomAD no frequency). In summary, the available evidence is currently insufficient to determine the role of this variant in disease. Therefore, it has been classified as a Variant of Uncertain Significance. Algorithms developed to predict the effect of missense changes on protein structure and function are either unavailable or do not agree on the potential impact of this missense change (SIFT: "Deleterious"; PolyPhen-2: "Probably Damaging"; Align-GVGD: "Class C15"). This variant has not been reported in the literature in individuals affected with GLIS3-related conditions.